The following is an entry in ClinVar:

ClinVar aggregate classification (germline): Likely pathogenic (1 of 4 stars; one submission).

Conditions:
Glycine encephalopathy. Also called: Nonketotic hyperglycinemia; Non-ketotic hyperglycinemia. Identifiers: Orphanet 407, MedGen C0751748, MONDO:0011612, HP:0008288.

Submission:

Natera, Inc.
Classification: Likely pathogenic for Non-ketotic hyperglycinemia. Last evaluated: 2024-11-14. Review status: criteria provided, single submitter. Criteria: Natera Variant Classification Schema (03/2026). Collection method: clinical testing. Allele origin: germline.
Comment: The c.1082_1083insT variant in AMT is a frameshift variant predicted to elongate the protein beyond the termination codon. This variant is expected to result in nonsense mediated decay, truncation, or a dysfunctional protein product. This variant is rare in the general population with a frequency below the threshold expected for the associated phenotype(s). Given the available evidence, this variant is classified as Likely Pathogenic.

NM_000481.4(AMT):c.1082_1083insT (p.Met362fs)

Gene: AMT (aminomethyltransferase; minus strand). Cytogenetic location: 3p21.31.
Variant type: Insertion.
Coding change: c.1082_1083insT on transcript NM_000481.4 (MANE Select); coding-DNA positions 1082 to 1083, T inserted.
Protein change: p.Met362fs; shifts the reading frame from methionine 362.
Molecular consequence: frameshift variant. On other transcripts: non-coding transcript variant (1).
Genome position: GRCh38 VCF-style: chr3-49417669-C-CA. GRCh37 (hg19) VCF-style: chr3-49455102-C-CA.
Other names: c.950_951insT, p.Met318fs (NM_001164710.2); c.914_915insT, p.Met306fs (NM_001164711.2); c.1082_1083insT, p.Met362fs (NM_001164712.2); short protein forms M306fs, M318fs, M362fs.
Identifiers: ClinVar variation 4818423 (VCV004818423.1).